The following is an entry in ClinVar:

ClinVar aggregate classification (germline): Uncertain significance (1 of 4 stars; one submission).

Conditions:
Cardiovascular phenotype. Identifiers: MedGen CN230736.

Submission:

Ambry Genetics
Classification: Uncertain significance for Cardiovascular phenotype. Last evaluated: 2026-06-12. Review status: criteria provided, single submitter. Criteria: Ambry Variant Classification Scheme 2023. Collection method: clinical testing. Allele origin: germline.
Comment: The p.S1245P variant (also known as c.3733T>C), located in coding exon 27 of the LAMA4 gene, results from a T to C substitution at nucleotide position 3733. The serine at codon 1245 is replaced by proline, an amino acid with similar properties. This amino acid position is conserved. In addition, the in silico prediction for this alteration is inconclusive. Based on the available evidence, the clinical significance of this variant remains unclear.

NM_001105206.3(LAMA4):c.3754T>C (p.Ser1252Pro)

Gene: LAMA4 (laminin subunit alpha 4; minus strand). Cytogenetic location: 6q21.
Variant type: single nucleotide variant.
Coding change: c.3754T>C on transcript NM_001105206.3 (MANE Select); coding-DNA position 3754, T replaced by C.
Protein change: p.Ser1252Pro; replaces serine 1252 with proline.
Molecular consequence: missense variant.
Genome position (GRCh38, 1-based): chr6:112,132,833, A>G on the plus strand (T>C on the coding strand, the complement: LAMA4 is on the minus strand). VCF-style: chr6-112132833-A-G. GRCh37 (hg19) VCF-style: chr6-112454035-A-G.
Other names: c.3733T>C, p.Ser1245Pro (NM_001105207.3, NM_002290.5); short protein forms S1245P, S1252P.
Identifiers: ClinVar variation 4859106 (VCV004859106.1).